The following is an entry in ClinVar:

ClinVar aggregate classification (germline): Pathogenic/Likely pathogenic. Review status: criteria provided, multiple submitters, no conflicts (2 of 4 stars). 2 submissions from 2 submitters: Pathogenic (1); Likely pathogenic (1). Last evaluated 2024-11-02.

Conditions:
Autosomal recessive nonsyndromic hearing loss 3. Also called: NEUROSENSORY NONSYNDROMIC RECESSIVE DEAFNESS 3. Identifiers: Orphanet 90636, MedGen C1838263, MONDO:0010860, OMIM 600316.

Submissions (2):

ENT and Head and Neck Research Center and Department,  The Five Senses Health Institute, Iran University of Medical Sciences
Classification: Pathogenic for Autosomal recessive nonsyndromic hearing loss 3. Last evaluated: 2024-11-02. Review status: criteria provided, single submitter. Criteria: ClinGen HL ACMG Specifications v1. Collection method: clinical testing. Allele origin: germline. Affected: yes.
Comment: PVS1: Null variant (frame-shift) in gene MYO15A, predicted to cause NMD. Loss-of-function is a known mechanism of disease (gene has 448 reported pathogenic LOF variants). The exon affects 1 functional domain: UniProt protein MYO15_HUMAN region of interest 'Disordered'. The exon contains 146 pathogenic variants. The truncated region contains 466 pathogenic variants., PM2: Variant not found in gnomAD genomes, good gnomAD genomes coverage = 31.7., PP1: Segregation in one affected relative for recessive

Fulgent Genetics
Classification: Likely pathogenic for Autosomal recessive nonsyndromic hearing loss 3. Last evaluated: 2024-03-26. Review status: criteria provided, single submitter. Criteria: ACMG Guidelines, 2015. Collection method: clinical testing. Allele origin: germline.

Literature cited by the submitters: DOI 10.1038/s41598-025-99417-7 (cited by ENT and Head and Neck Research Center and Department,  The Five Senses Health Institute, Iran University of Medical Sciences).

NM_016239.4(MYO15A):c.2278dup (p.Ala760fs)

Gene: MYO15A (myosin XVA; plus strand). Cytogenetic location: 17p11.2.
Variant type: Duplication.
Coding change: c.2278dup on transcript NM_016239.4 (MANE Select); coding-DNA position 2278, one base duplicated (G; older notation c.2278dupG).
Protein change: p.Ala760fs; shifts the reading frame from alanine 760.
Molecular consequence: frameshift variant.
Genome position (GRCh38, 1-based): chr17:18,121,078, G duplicated; the last of 4 consecutive G bases (chr17:18,121,075-18,121,078); duplicating any one gives the same sequence. VCF-style (leftmost placement, unchanged base first): chr17-18121074-C-CG. GRCh37 (hg19) VCF-style: chr17-18024388-C-CG.
Other names: c.2278dupG (NM_016239.4); short protein forms A760fs.
Identifiers: ClinVar variation 3370472 (VCV003370472.2).
Genomic context (GRCh38, chr17:18,121,074, plus strand): 5'-CCCAGGGCCCCGACCCTCGTTCAGGGGCTCCCGCCGGAGAGGGGCGGCTTTCGGCTTCCC[C>CG]GGGGCCTCTCCACGGGCGTCGCGGAGGCGAGCTTGGTCACCGCTGGCCTCGCCCCAGCCC-3'